The following is an entry in ClinVar:

ClinVar aggregate classification (germline): Pathogenic. Review status: criteria provided, multiple submitters, no conflicts (2 of 4 stars). 5 submissions from 5 submitters: Pathogenic (4). 1 of the submissions does not count toward it. Last evaluated 2026-04-17.

Conditions:
TSC1-related disorder. Also called: TSC1-related condition.
Tuberous sclerosis syndrome (TSC). Also called: Tuberous Sclerosis Complex; Tuberous sclerosis. Identifiers: Orphanet 805, MedGen C0041341, MONDO:0001734.
Tuberous sclerosis 1 (TSC1). Identifiers: Orphanet 805, MedGen C1854465, MONDO:0008612, OMIM 191100.

Submissions (5):

Kasturba Medical College, Manipal, Kasturba Medical College, Manipal, Manipal Academy of Higher Education, Manipal, India
Classification: Pathogenic for Tuberous sclerosis 1. Last evaluated: 2026-04-17. Review status: criteria provided, single submitter. Criteria: ACMG Guidelines, 2015. Collection method: research. Allele origin: maternal. Inheritance: Autosomal dominant inheritance. Affected: yes. Observed: 1 variant allele, 1 heterozygote.
Comment: This variant is absent in heterozygous and/or homozygous state in gnomAD (v4.1.0) and in our in-house database of 3896 exomes.

Labcorp Genetics (formerly Invitae), Labcorp
Classification: Pathogenic for Tuberous sclerosis 1. Last evaluated: 2025-07-07. Review status: criteria provided, single submitter. Criteria: Invitae Variant Classification Sherloc (09022015). Collection method: clinical testing. Allele origin: germline.
Comment: This sequence change creates a premature translational stop signal (p.Gln149*) in the TSC1 gene. It is expected to result in an absent or disrupted protein product. Loss-of-function variants in TSC1 are known to be pathogenic (PMID: 10227394, 17304050). This variant is not present in population databases (gnomAD no frequency). This premature translational stop signal has been observed in individual(s) with tuberous sclerosis complex (PMID: 29101226). It has also been observed to segregate with disease in related individuals. ClinVar contains an entry for this variant (Variation ID: 49043). For these reasons, this variant has been classified as Pathogenic.

Myriad Genetics, Inc.
Classification: Pathogenic for Tuberous sclerosis 1. Last evaluated: 2024-10-23. Review status: criteria provided, single submitter. Criteria: Myriad Autosomal Dominant, Autosomal Recessive and X-Linked Classification Criteria (2023). Collection method: clinical testing. Allele origin: unknown.
Comment: This variant is considered pathogenic. This variant creates a termination codon and is predicted to result in premature protein truncation.

Blueprint Genetics
Classification: Pathogenic for TSC1-related disorders. Last evaluated: 2018-05-21. Review status: criteria provided, single submitter. Criteria: ACMG Guidelines, 2015. Collection method: clinical testing. Allele origin: germline. Affected: yes. Observed: 1 variant allele.

Tuberous sclerosis database (TSC1)
No classification provided. Condition: TSC. Review status: no classification provided. Criteria: Tuberous Sclerosis Database Assertion Criteria 2015. Collection method: curation. Allele origin: germline. Affected: yes. Not counted in ClinVar's aggregate classification.

Literature cited by the submitters: PubMed 10227394 (cited by Labcorp Genetics (formerly Invitae), Labcorp); PubMed 17304050 (cited by Labcorp Genetics (formerly Invitae), Labcorp); PubMed 29101226 (cited by Labcorp Genetics (formerly Invitae), Labcorp).

NM_000368.5(TSC1):c.445C>T (p.Gln149Ter)

Gene: TSC1 (TSC complex subunit 1; minus strand). Cytogenetic location: 9q34.13.
Variant type: single nucleotide variant.
Coding change: c.445C>T on transcript NM_000368.5 (MANE Select); coding-DNA position 445, C replaced by T.
Protein change: p.Gln149Ter; replaces glutamine 149 with a stop codon.
Molecular consequence: nonsense.
Genome position (GRCh38, 1-based): chr9:132,923,411, G>A on the plus strand (C>T on the coding strand, the complement: TSC1 is on the minus strand). VCF-style: chr9-132923411-G-A. GRCh37 (hg19) VCF-style: chr9-135798798-G-A.
Other names: c.445C>T, p.Gln149Ter (NM_001162426.2); c.292C>T, p.Gln98Ter (NM_001162427.2); c.82C>T, p.Gln28Ter (NM_001362177.2); short protein forms Q149*, Q28*, Q98*.
Identifiers: ClinVar variation 49043 (VCV000049043.12), dbSNP rs118203384, ClinGen allele CA007594.